The following is an entry in ClinVar:

NM_000218.3(KCNQ1):c.1967_1981dup (p.Pro660_Thr661insSerAsnThrLeuPro)

Genes: KCNQ1-AS1 (KCNQ1 antisense RNA 1; minus strand), KCNQ1 (potassium voltage-gated channel subfamily Q member 1; plus strand). Cytogenetic location: 11p15.4.
Variant type: Duplication.
Coding change: c.1967_1981dup on transcript NM_000218.3 (MANE Select); coding-DNA positions 1967 to 1981, 15 bases duplicated (GCAACACCCTGCCCA).
Protein change: p.Pro660_Thr661insSerAsnThrLeuPro.
Genome position (GRCh38, 1-based): chr11:2,847,939-2,847,953, GCAACACCCTGCCCA duplicated; duplicating any 15 consecutive bases within chr11:2,847,931-2,847,953 gives the same sequence; the c. name uses the placement nearest the transcript's 3' end. VCF-style (leftmost placement, unchanged base first): chr11-2847930-T-TCCTGCCCAGCAACAC. GRCh37 (hg19) VCF-style: chr11-2869160-T-TCCTGCCCAGCAACAC.
Other names: c.1871_1885dup, p.Pro628_Thr629insSerAsnThrLeuPro (NM_001406836.1); c.1697_1711dup, p.Pro570_Thr571insSerAsnThrLeuPro (NM_001406837.1); c.1427_1441dup, p.Pro480_Thr481insSerAsnThrLeuPro (NM_001406838.1); c.479_493dup, p.Pro164_Thr165insSerAsnThrLeuPro (NM_001406839.1); c.1586_1600dup, p.Pro533_Thr534insSerAsnThrLeuPro (NM_181798.2).
Identifiers: ClinVar variation 3386958 (VCV003386958.1).

ClinVar aggregate classification (germline): Uncertain significance (1 of 4 stars; one submission).

Conditions:
Long QT syndrome (LQTS). Identifiers: MedGen C0023976, MeSH D008133, MONDO:0002442. Disease mechanism: loss of function. Inheritance: Various modes of inheritance.

Submission:

All of Us Research Program, National Institutes of Health
Classification: Uncertain significance for Long QT syndrome. Last evaluated: 2024-05-14. Review status: criteria provided, single submitter. Criteria: ACMG Guidelines, 2015. Collection method: clinical testing. Allele origin: germline. Inheritance: Autosomal dominant inheritance. Observed: 1 variant allele, 1 heterozygote.
Comment: This variant causes a duplication of 5 consecutive amino acids in exon 16 of the KCNQ1 protein. To our knowledge, functional studies have not been reported for this variant. This variant has not been reported in individuals affected with KCNQ1-related disorders in the literature. This variant has not been identified in the general population by the Genome Aggregation Database (gnomAD). The available evidence is insufficient to determine the role of this variant in disease conclusively. Therefore, this variant is classified as a Variant of Uncertain Significance.

This study involves interpretation of variants in research participants for the purpose of population health screening. Participant phenotype was not available at the time of variant classification. Additional details can be found in publication PMID: 35346344, PMCID: PMC8962531